The following is an entry in ClinVar:

NM_000021.4(PSEN1):c.626G>T (p.Gly209Val)

Gene: PSEN1 (presenilin 1; plus strand). Cytogenetic location: 14q24.2.
Variant type: single nucleotide variant.
Coding change: c.626G>T on transcript NM_000021.4 (MANE Select); coding-DNA position 626, G replaced by T.
Protein change: p.Gly209Val; replaces glycine 209 with valine.
Molecular consequence: missense variant.
Genome position (GRCh38, 1-based): chr14:73,192,721, G>T. VCF-style: chr14-73192721-G-T. GRCh37 (hg19) VCF-style: chr14-73659429-G-T.
Other names: c.614G>T, p.Gly205Val (NM_007318.3); short protein forms G209V, G205V.
Identifiers: ClinVar variation 98053 (VCV000098053.9), dbSNP rs63750053, ClinGen allele CA225070.

ClinVar aggregate classification (germline): Pathogenic. Review status: criteria provided, single submitter (1 of 4 stars). 2 submissions from 2 submitters: Pathogenic (1). 1 of the submissions does not count toward it. Last evaluated 2026-02-01.

Conditions:
Alzheimer disease 3 (AD3). Also called: ALZHEIMER DISEASE, FAMILIAL, 3. Identifiers: Orphanet 1020, MedGen C1843013, MONDO:0011913, OMIM 607822.
Acne inversa, familial, 3 (ACNINV3). Identifiers: MedGen C3151038, MONDO:0013398, OMIM 613737.
Frontotemporal dementia (FTD1). Also called: Frontotemporal Dementia with Parkinsonism-17 (FTDP-17); FRONTOTEMPORAL DEMENTIA WITH PARKINSONISM; FRONTOTEMPORAL LOBE DEMENTIA; MULTIPLE SYSTEM TAUOPATHY WITH PRESENILE DEMENTIA; Dementia, frontotemporal, with or without parkinsonism; WILHELMSEN-LYNCH DISEASE. Identifiers: Orphanet 282, MedGen C0338451, MONDO:0017276, OMIM 600274, HP:0002145.
Pick disease. Also called: PICK DISEASE OF BRAIN; DEMENTIA WITH LOBAR ATROPHY AND NEURONAL CYTOPLASMIC INCLUSIONS; LOBAR ATROPHY OF BRAIN; Pick's disease; Pick Disease of the Brain. Identifiers: Orphanet 282, MedGen C0236642, MONDO:0008243, OMIM 172700.

Submissions (2):

Labcorp Genetics (formerly Invitae), Labcorp
Classification: Pathogenic for Alzheimer disease 3; Pick disease; Acne inversa, familial, 3; Frontotemporal dementia. Last evaluated: 2026-02-01. Review status: criteria provided, single submitter. Criteria: Invitae Variant Classification Sherloc (09022015). Collection method: clinical testing. Allele origin: germline.
Comment: This sequence change replaces glycine, which is neutral and non-polar, with valine, which is neutral and non-polar, at codon 209 of the PSEN1 protein (p.Gly209Val). This variant is not present in population databases (gnomAD no frequency). This missense change has been observed in individuals with familial Alzheimer disease (PMID: 9521418, 9521423, 10468510, 24773620). It has also been observed to segregate with disease in related individuals. Invitae Evidence Modeling of clinical and family history, age, sex, and reported ancestry of multiple individuals with this PSEN1 variant has been performed. This variant is expected to be pathogenic with a positive predictive value of at least 99%. This is a validated machine learning model that incorporates the clinical features of 21,034 individuals referred to our laboratory for PSEN1 testing. ClinVar contains an entry for this variant (Variation ID: 98053). Invitae Evidence Modeling of protein sequence and biophysical properties (such as structural, functional, and spatial information, amino acid conservation, physicochemical variation, residue mobility, and thermodynamic stability) indicates that this missense variant is expected to disrupt PSEN1 protein function with a positive predictive value of 95%. Experimental studies have shown that this missense change affects PSEN1 function (PMID: 10468510, 17197420, 26923592, 27930341). This variant disrupts the p.Gly209 amino acid residue in PSEN1. Other variant(s) that disrupt this residue have been determined to be pathogenic (PMID: 10447269, 11524469, 27206484). This suggests that this residue is clinically significant, and that variants that disrupt this residue are likely to be disease-causing. For these reasons, this variant has been classified as Pathogenic.

VIB  Department of Molecular Genetics, University of Antwerp
No classification provided. Review status: no classification provided. Collection method: not provided. Allele origin: unknown. Not counted in ClinVar's aggregate classification.

Literature cited by the submitters: PubMed 9521418 (cited by Labcorp Genetics (formerly Invitae), Labcorp); PubMed 9521423 (cited by Labcorp Genetics (formerly Invitae), Labcorp); PubMed 10468510 (cited by Labcorp Genetics (formerly Invitae), Labcorp); PubMed 24773620 (cited by Labcorp Genetics (formerly Invitae), Labcorp); PubMed 17197420 (cited by Labcorp Genetics (formerly Invitae), Labcorp); PubMed 26923592 (cited by Labcorp Genetics (formerly Invitae), Labcorp); PubMed 27930341 (cited by Labcorp Genetics (formerly Invitae), Labcorp); PubMed 10447269 (cited by Labcorp Genetics (formerly Invitae), Labcorp); PubMed 11524469 (cited by Labcorp Genetics (formerly Invitae), Labcorp); PubMed 27206484 (cited by Labcorp Genetics (formerly Invitae), Labcorp).